The following is an entry in ClinVar:

NM_020975.6(RET):c.44T>C (p.Leu15Ser)

Gene: RET (ret proto-oncogene; plus strand). Cytogenetic location: 10q11.21.
Variant type: single nucleotide variant.
Coding change: c.44T>C on transcript NM_020975.6 (MANE Select); coding-DNA position 44, T replaced by C.
Protein change: p.Leu15Ser; replaces leucine 15 with serine.
Molecular consequence: missense variant.
Genome position (GRCh38, 1-based): chr10:43,077,302, T>C. VCF-style: chr10-43077302-T-C. GRCh37 (hg19) VCF-style: chr10-43572750-T-C.
Other names: c.44T>C, p.Leu15Ser (NM_000323.2, NM_001406743.1, NM_001406744.1 and 38 more transcripts); short protein forms L15S.
Identifiers: ClinVar variation 1427613 (VCV001427613.9), dbSNP rs2132498541, ClinGen allele CA376768076.

ClinVar aggregate classification (germline): Uncertain significance (1 of 4 stars; one submission).

Conditions:
Multiple endocrine neoplasia, type 2 (MEN2). Identifiers: Orphanet 653, MedGen C4048306, MONDO:0019003. Disease mechanism: gain of function.

Submission:

Labcorp Genetics (formerly Invitae), Labcorp
Classification: Uncertain significance for Multiple endocrine neoplasia, type 2. Last evaluated: 2021-01-30. Review status: criteria provided, single submitter. Criteria: Invitae Variant Classification Sherloc (09022015). Collection method: clinical testing. Allele origin: germline.
Comment: In summary, the available evidence is currently insufficient to determine the role of this variant in disease. Therefore, it has been classified as a Variant of Uncertain Significance. Algorithms developed to predict the effect of missense changes on protein structure and function are either unavailable or do not agree on the potential impact of this missense change (SIFT: "Deleterious"; PolyPhen-2: "Possibly Damaging"; Align-GVGD: "Class C0"). This variant has not been reported in the literature in individuals with RET-related conditions. The frequency data for this variant in the population databases is considered unreliable, as metrics indicate insufficient coverage at this position in the ExAC database. This sequence change replaces leucine with serine at codon 15 of the RET protein (p.Leu15Ser). The leucine residue is moderately conserved and there is a large physicochemical difference between leucine and serine.